The following is an entry in ClinVar:

NM_000310.4(PPT1):c.234+1G>A

Gene: PPT1 (palmitoyl-protein thioesterase 1; minus strand). Cytogenetic location: 1p34.2.
Variant type: single nucleotide variant.
Coding change: c.234+1G>A on transcript NM_000310.4 (MANE Select); the canonical splice donor site of the intron after coding-DNA position 234, G replaced by A.
Molecular consequence: splice donor variant. On other transcripts: intron variant (1).
Genome position (GRCh38, 1-based): chr1:40,092,397, C>T on the plus strand (G>A on the coding strand, the complement: PPT1 is on the minus strand). VCF-style: chr1-40092397-C-T. GRCh37 (hg19) VCF-style: chr1-40558069-C-T.
Other names: c.125-2885G>A (NM_001142604.2); c.234+1G>A (NM_001363695.2).
Identifiers: ClinVar variation 206642 (VCV000206642.12), dbSNP rs796052923, ClinGen allele CA316925.
Genomic context (GRCh38, chr1:40,092,397, plus strand): 5'-ACAGTATATGCTATGAAATCAGTCAGCAACCCTTCAAAGGAACAGCTGTGAAGCGCCTTA[C>T]CTCCATCAGGGTCTTCCCAATCTCTAAAGATAAGACGTAAATTCCAGGTATTTTCTTCTC-3'

ClinVar aggregate classification (germline): Pathogenic. Review status: criteria provided, multiple submitters, no conflicts (2 of 4 stars). 2 submissions from 2 submitters: Pathogenic (2). Last evaluated 2023-08-30.

Conditions:
Neuronal ceroid lipofuscinosis 1 (CLN1). Also called: CEROID LIPOFUSCINOSIS, NEURONAL, 1, VARIABLE AGE AT ONSET; PPT1-Related Neuronal Ceroid-Lipofuscinosis. Identifiers: Orphanet 228329, MedGen C1850451, MONDO:0009744, OMIM 256730.

Submissions (2):

Labcorp Genetics (formerly Invitae), Labcorp
Classification: Pathogenic for Neuronal ceroid lipofuscinosis 1. Last evaluated: 2023-08-30. Review status: criteria provided, single submitter. Criteria: Invitae Variant Classification Sherloc (09022015). Collection method: clinical testing. Allele origin: germline.
Comment: For these reasons, this variant has been classified as Pathogenic. Algorithms developed to predict the effect of sequence changes on RNA splicing suggest that this variant may disrupt the consensus splice site. ClinVar contains an entry for this variant (Variation ID: 206642). Disruption of this splice site has been observed in individual(s) with Batten disease (PMID: 26510000). In at least one individual the data is consistent with being in trans (on the opposite chromosome) from a pathogenic variant. This variant is not present in population databases (gnomAD no frequency). This sequence change affects a donor splice site in intron 2 of the PPT1 gene. It is expected to disrupt RNA splicing. Variants that disrupt the donor or acceptor splice site typically lead to a loss of protein function (PMID: 16199547), and loss-of-function variants in PPT1 are known to be pathogenic (PMID: 10679943, 21990111).

GeneDx
Classification: Pathogenic. Last evaluated: 2013-08-06. Review status: criteria provided, single submitter. Criteria: GeneDx Variant Classification (06012015). Collection method: clinical testing. Allele origin: germline. Affected: yes.
Comment: The c.234+1 G>A splice site mutation in the PPT1 gene destroys the canonical splice donor site in intron 2. It is predicted to cause abnormal gene splicing, either leading to an abnormal message that is subject to nonsensemediated mRNA decay, or to an abnormal protein product if the message is used for protein translation. Although c.234+1 G>A has not been previously reported to our knowledge, it is considered a diseasecausing mutation. The variant is found in CHILD-EPI panel(s).

Literature cited by the submitters: PubMed 26510000 (cited by Labcorp Genetics (formerly Invitae), Labcorp); PubMed 16199547 (cited by Labcorp Genetics (formerly Invitae), Labcorp); PubMed 10679943 (cited by Labcorp Genetics (formerly Invitae), Labcorp); PubMed 21990111 (cited by Labcorp Genetics (formerly Invitae), Labcorp).